The following is an entry in ClinVar:

NM_003640.5(ELP1):c.2372A>C (p.Asp791Ala)

Gene: ELP1 (elongator acetyltransferase complex subunit 1; minus strand). Cytogenetic location: 9q31.3.
Variant type: single nucleotide variant.
Coding change: c.2372A>C on transcript NM_003640.5 (MANE Select); coding-DNA position 2372, A replaced by C.
Protein change: p.Asp791Ala; replaces aspartic acid 791 with alanine.
Molecular consequence: missense variant.
Genome position (GRCh38, 1-based): chr9:108,897,277, T>G on the plus strand (A>C on the coding strand, the complement: ELP1 is on the minus strand). VCF-style: chr9-108897277-T-G. GRCh37 (hg19) VCF-style: chr9-111659557-T-G.
Other names: c.2030A>C, p.Asp677Ala (NM_001318360.2); c.1325A>C, p.Asp442Ala (NM_001330749.2); short protein forms D442A, D791A, D677A.
Identifiers: ClinVar variation 961087 (VCV000961087.9), dbSNP rs532550445, ClinGen allele CA5174661.

ClinVar aggregate classification (germline): Uncertain significance. Review status: criteria provided, multiple submitters, no conflicts (2 of 4 stars). 3 submissions from 3 submitters: Uncertain significance (2). 1 of the submissions does not count toward it. Last evaluated 2025-05-18.

Conditions:
Familial dysautonomia. Also called: HSAN III; FD. Identifiers: Orphanet 1764, MedGen C0013364, MONDO:0009131, OMIM 223900. Disease mechanism: loss of function.

Allele frequency attached by ClinVar (database versions not stated): gnomAD below 0.00001 and 0.00001; TOPMed below 0.00001.
gnomAD v4.1: 6 of 1,613,996 alleles (0.00037%); highest among the groups gnomAD compares: South Asian, 0.0055%; no homozygotes.

Submissions (3):

Ambry Genetics
Classification: Uncertain significance. Last evaluated: 2025-05-18. Review status: criteria provided, single submitter. Criteria: Ambry Variant Classification Scheme 2023. Collection method: clinical testing. Allele origin: germline.

Labcorp Genetics (formerly Invitae), Labcorp
Classification: Uncertain significance. Last evaluated: 2021-08-31. Review status: criteria provided, single submitter. Criteria: Invitae Variant Classification Sherloc (09022015). Collection method: clinical testing. Allele origin: germline.
Comment: This sequence change replaces aspartic acid with alanine at codon 791 of the ELP1 protein (p.Asp791Ala). The aspartic acid residue is highly conserved and there is a moderate physicochemical difference between aspartic acid and alanine. This variant is present in population databases (rs532550445, ExAC 0.006%). This variant has not been reported in the literature in individuals affected with ELP1-related conditions. Algorithms developed to predict the effect of missense changes on protein structure and function (SIFT, PolyPhen-2, Align-GVGD) all suggest that this variant is likely to be disruptive. In summary, the available evidence is currently insufficient to determine the role of this variant in disease. Therefore, it has been classified as a Variant of Uncertain Significance.

Natera, Inc.
Classification: Uncertain significance for Familial dysautonomia. Last evaluated: 2021-05-13. Review status: no assertion criteria provided. Collection method: clinical testing. Allele origin: germline. Not counted in ClinVar's aggregate classification.